The following is an entry in ClinVar:

NM_000112.4(SLC26A2):c.81C>G (p.Ile27Met)

Gene: SLC26A2 (solute carrier family 26 member 2; plus strand). Cytogenetic location: 5q32.
Variant type: single nucleotide variant.
Coding change: c.81C>G on transcript NM_000112.4 (MANE Select); coding-DNA position 81, C replaced by G.
Protein change: p.Ile27Met; replaces isoleucine 27 with methionine.
Molecular consequence: missense variant.
Genome position (GRCh38, 1-based): chr5:149,977,733, C>G. VCF-style: chr5-149977733-C-G. GRCh37 (hg19) VCF-style: chr5-149357296-C-G.
Other names: short protein forms I27M.
Identifiers: ClinVar variation 64386 (VCV000064386.2), dbSNP rs387907491, ClinGen allele CA216028.
Genomic context (GRCh38, chr5:149,977,733, plus strand): 5'-GCAACATAACGTTTCACCCAGAGACTCAGCTGAAGGAAATGACAGTTATCCATCTGGGAT[C>G]CATCTGGAACTTCAAAGGGAATCAAGTACTGACTTCAAGCAATTTGAGACCAATGATCAA-3'
Protein context (NP_000103.2, residues 17-37): AEGNDSYPSG[Ile27Met]HLELQRESST

ClinVar aggregate classification (germline): Uncertain significance (0 of 4 stars; one submission).

Submission:

Martin Pollak Laboratory,  Beth Israel Deaconess Medical Center
Classification: Uncertain significance. Review status: no assertion criteria provided. Collection method: not provided. Allele origin: unknown.
Comment: Lower and higher UCa2+ groups
ClinVar note: Converted during submission from unknown to Uncertain significance.